The following is an entry in ClinVar:

NM_176787.5(PIGN):c.2068G>T (p.Ala690Ser)

Gene: PIGN (phosphatidylinositol glycan anchor biosynthesis class N; minus strand). Cytogenetic location: 18q21.33.
Variant type: single nucleotide variant.
Coding change: c.2068G>T on transcript NM_176787.5 (MANE Select); coding-DNA position 2068, G replaced by T.
Protein change: p.Ala690Ser; replaces alanine 690 with serine.
Molecular consequence: missense variant.
Genome position (GRCh38, 1-based): chr18:62,101,084, C>A on the plus strand (G>T on the coding strand, the complement: PIGN is on the minus strand). VCF-style: chr18-62101084-C-A. GRCh37 (hg19) VCF-style: chr18-59768317-C-A.
Other names: c.2068G>T, p.Ala690Ser (NM_012327.6); short protein forms A690S.
Identifiers: ClinVar variation 944092 (VCV000944092.7), dbSNP rs1181385920, ClinGen allele CA402603388.

ClinVar aggregate classification (germline): Uncertain significance (1 of 4 stars; one submission).

Conditions:
Multiple congenital anomalies-hypotonia-seizures syndrome 1 (MCAHS1). Also called: PIGN-CDG; Congenital disorder of glycosylation due to PIGN deficiency; GLYCOSYLPHOSPHATIDYLINOSITOL BIOSYNTHESIS DEFECT 3. Identifiers: Orphanet 280633, MedGen C3279775, MONDO:0013563, OMIM 614080.

Submission:

Labcorp Genetics (formerly Invitae), Labcorp
Classification: Uncertain significance for Multiple congenital anomalies-hypotonia-seizures syndrome 1. Last evaluated: 2021-08-24. Review status: criteria provided, single submitter. Criteria: Invitae Variant Classification Sherloc (09022015). Collection method: clinical testing. Allele origin: germline.
Comment: This sequence change replaces alanine with serine at codon 690 of the PIGN protein (p.Ala690Ser). The alanine residue is weakly conserved and there is a moderate physicochemical difference between alanine and serine. This variant is not present in population databases (ExAC no frequency). This variant has not been reported in the literature in individuals affected with PIGN-related conditions. Algorithms developed to predict the effect of missense changes on protein structure and function (SIFT, PolyPhen-2, Align-GVGD) all suggest that this variant is likely to be tolerated. In summary, the available evidence is currently insufficient to determine the role of this variant in disease. Therefore, it has been classified as a Variant of Uncertain Significance.